The following is an entry in ClinVar:

NM_000038.6(APC):c.4199del (p.Arg1399_Ser1400insTer)

Gene: APC (APC regulator of Wnt signaling pathway; plus strand). Cytogenetic location: 5q22.2.
Variant type: Deletion.
Coding change: c.4199del on transcript NM_000038.6 (MANE Select); coding-DNA position 4199, one base deleted (C; older notation c.4199delC).
Protein change: p.Arg1399_Ser1400insTer.
Molecular consequence: nonsense.
Genome position (GRCh38, 1-based): chr5:112,839,793, C deleted. VCF-style (leftmost placement, unchanged base first): chr5-112839792-TC-T. GRCh37 (hg19) VCF-style: chr5-112175489-TC-T.
Other names: c.4022del, p.Arg1340_Ser1341insTer (NM_001354901.2); c.3926del, p.Arg1308_Ser1309insTer (NM_001354902.2); c.3896del, p.Arg1298_Ser1299insTer (NM_001354903.2); c.3821del, p.Arg1273_Ser1274insTer (NM_001354904.2); c.3719del, p.Arg1239_Ser1240insTer (NM_001354905.2); c.3350del, p.Arg1116_Ser1117insTer (NM_001354906.2); c.4199del, p.Arg1399_Ser1400insTer (NM_001127510.3, NM_001354895.2); c.4145del, p.Arg1381_Ser1382insTer (NM_001127511.3); and 5 more.
Identifiers: ClinVar variation 1401912 (VCV001401912.8), dbSNP rs2149908830, ClinGen allele CA445964201.

ClinVar aggregate classification (germline): Pathogenic (1 of 4 stars; one submission).

Conditions:
Familial adenomatous polyposis 1 (FAP1). Also called: FAMILIAL ADENOMATOUS POLYPOSIS 1, ATTENUATED; POLYPOSIS, ADENOMATOUS INTESTINAL. Identifiers: MedGen C2713442, MONDO:0021056, OMIM 175100. Disease mechanism: loss of function.

Submission:

Labcorp Genetics (formerly Invitae), Labcorp
Classification: Pathogenic for Familial adenomatous polyposis 1. Last evaluated: 2020-11-01. Review status: criteria provided, single submitter. Criteria: Invitae Variant Classification Sherloc (09022015). Collection method: clinical testing. Allele origin: germline.
Comment: This variant is expected to disrupt the EB1 and HDLG binding sites, which mediate interactions with the cytoskeleton (PMID: 15311282, 17293347). While functional studies have not been performed to directly test the effect on APC protein function, this suggests that disruption of the C-terminal portion of the protein is functionally important. This variant disrupts the C-terminus of the APC protein. Other variant(s) that disrupt this region (p.Tyr2645Lysfs*14) have been determined to be pathogenic (PMID: 9824584, 1316610, 27081525, 8381579, 22135120, Invitae). This suggests that variants that disrupt this region of the protein are likely to be causative of disease. For these reasons, this variant has been classified as Pathogenic. Another variant resulting in the same truncation has been observed in individual(s) with clinical features of APC-related conditions (PMID: 10077047). This variant is not present in population databases (ExAC no frequency). This sequence change creates a premature translational stop signal (p.Ser1400*) in the APC gene. While this is not anticipated to result in nonsense mediated decay, it is expected to disrupt the last 1444 amino acid(s) of the APC protein.

Literature cited by the submitters: PubMed 15311282; PubMed 17293347; PubMed 9824584; PubMed 1316610; PubMed 27081525; PubMed 8381579; PubMed 22135120; PubMed 10077047.